The following is an entry in ClinVar:

ClinVar aggregate classification (germline): Uncertain significance. Review status: criteria provided, multiple submitters, no conflicts (2 of 4 stars). 2 submissions from 2 submitters: Uncertain significance (2). Last evaluated 2025-12-17.

Conditions:
Inborn genetic diseases. Identifiers: MedGen C0950123, MeSH D030342.

Allele frequency attached by ClinVar (database versions not stated): gnomAD below 0.00001 and 0.00002; gnomAD exomes 0.00002 and 0.00004; ExAC 0.00004.
gnomAD v4.1: 31 of 1,613,668 alleles (0.0019%); highest among the groups gnomAD compares: South Asian, 0.033%; no homozygotes.

Submissions (2):

Ambry Genetics
Classification: Uncertain significance for Inborn genetic diseases. Last evaluated: 2025-12-17. Review status: criteria provided, single submitter. Criteria: Ambry Variant Classification Scheme 2023. Collection method: clinical testing. Allele origin: germline.

Labcorp Genetics (formerly Invitae), Labcorp
Classification: Uncertain significance. Last evaluated: 2022-02-10. Review status: criteria provided, single submitter. Criteria: Invitae Variant Classification Sherloc (09022015). Collection method: clinical testing. Allele origin: germline.
Comment: This sequence change replaces valine, which is neutral and non-polar, with isoleucine, which is neutral and non-polar, at codon 407 of the ERCC2 protein (p.Val407Ile). This variant is present in population databases (rs765401939, gnomAD 0.03%). This variant has not been reported in the literature in individuals affected with ERCC2-related conditions. ClinVar contains an entry for this variant (Variation ID: 1045932). Algorithms developed to predict the effect of missense changes on protein structure and function (SIFT, PolyPhen-2, Align-GVGD) all suggest that this variant is likely to be tolerated. In summary, the available evidence is currently insufficient to determine the role of this variant in disease. Therefore, it has been classified as a Variant of Uncertain Significance.

NM_000400.4(ERCC2):c.1219G>A (p.Val407Ile)

Gene: ERCC2 (ERCC excision repair 2, TFIIH core complex helicase subunit; minus strand). Cytogenetic location: 19q13.32.
Variant type: single nucleotide variant.
Coding change: c.1219G>A on transcript NM_000400.4 (MANE Select); coding-DNA position 1219, G replaced by A.
Protein change: p.Val407Ile; replaces valine 407 with isoleucine.
Molecular consequence: missense variant.
Genome position (GRCh38, 1-based): chr19:45,361,542, C>T on the plus strand (G>A on the coding strand, the complement: ERCC2 is on the minus strand). VCF-style: chr19-45361542-C-T. GRCh37 (hg19) VCF-style: chr19-45864800-C-T.
Other names: c.1219G>A (NM_000400.3); c.1147G>A, p.Val383Ile (NM_001130867.2); short protein forms V383I, V407I.
Identifiers: ClinVar variation 1045932 (VCV001045932.7), dbSNP rs765401939, ClinGen allele CA9513471.